The following is an entry in ClinVar:

ClinVar aggregate classification (germline): Uncertain significance (1 of 4 stars; one submission).

gnomAD v4.1: 6 of 1,613,772 alleles (0.00037%); highest among the groups gnomAD compares: African/African-American, 0.0013%; no homozygotes.

Submission:

Labcorp Genetics (formerly Invitae), Labcorp
Classification: Uncertain significance. Last evaluated: 2024-04-05. Review status: criteria provided, single submitter. Criteria: Invitae Variant Classification Sherloc (09022015). Collection method: clinical testing. Allele origin: germline.
Comment: This sequence change replaces proline, which is neutral and non-polar, with alanine, which is neutral and non-polar, at codon 296 of the RP1 protein (p.Pro296Ala). This variant is not present in population databases (gnomAD no frequency). This variant has not been reported in the literature in individuals affected with RP1-related conditions. ClinVar contains an entry for this variant (Variation ID: 1966384). An algorithm developed to predict the effect of missense changes on protein structure and function (PolyPhen-2) suggests that this variant is likely to be tolerated. In summary, the available evidence is currently insufficient to determine the role of this variant in disease. Therefore, it has been classified as a Variant of Uncertain Significance.

NM_006269.2(RP1):c.886C>G (p.Pro296Ala)

Gene: RP1 (RP1 axonemal microtubule associated; plus strand). Cytogenetic location: 8q12.1.
Variant type: single nucleotide variant.
Coding change: c.886C>G on transcript NM_006269.2 (MANE Select); coding-DNA position 886, C replaced by G.
Protein change: p.Pro296Ala; replaces proline 296 with alanine.
Molecular consequence: missense variant. On other transcripts: intron variant (1).
Genome position (GRCh38, 1-based): chr8:54,624,768, C>G. VCF-style: chr8-54624768-C-G. GRCh37 (hg19) VCF-style: chr8-55537328-C-G.
Other names: c.787+2480C>G (NM_001375654.1); short protein forms P296A.
Identifiers: ClinVar variation 1966384 (VCV001966384.5), dbSNP rs1439114692, ClinGen allele CA370988802.
Genomic context (GRCh38, chr8:54,624,768, plus strand): 5'-TATTCTGTTTCTTCTGAGAAAACACATAATAATGATTGCTACTTAGACTATTCTTTTGTT[C>G]CTGAAAAGTACTTGGCCTTAGAAAAGAATGATTCTCAGAATTTACCAATATATCCTTCTG-3'
Protein context (NP_006260.1, residues 286-306): NDCYLDYSFV[Pro296Ala]EKYLALEKND